The following is an entry in ClinVar:

ClinVar aggregate classification (germline): Uncertain significance (1 of 4 stars; one submission).

gnomAD v4.1: 3 of 1,614,226 alleles (0.00019%); highest among the groups gnomAD compares: South Asian, 0.0011%; no homozygotes.

Submission:

Labcorp Genetics (formerly Invitae), Labcorp
Classification: Uncertain significance. Last evaluated: 2025-03-13. Review status: criteria provided, single submitter. Criteria: Invitae Variant Classification Sherloc (09022015). Collection method: clinical testing. Allele origin: germline.
Comment: This sequence change replaces phenylalanine, which is neutral and non-polar, with leucine, which is neutral and non-polar, at codon 1129 of the NLRP1 protein (p.Phe1129Leu). This variant is present in population databases (rs763107742, gnomAD 0.0009%). This variant has not been reported in the literature in individuals affected with NLRP1-related conditions. An algorithm developed to predict the effect of missense changes on protein structure and function (PolyPhen-2) suggests that this variant is likely to be tolerated. In summary, the available evidence is currently insufficient to determine the role of this variant in disease. Therefore, it has been classified as a Variant of Uncertain Significance.

NM_033004.4(NLRP1):c.3387C>G (p.Phe1129Leu)

Gene: NLRP1 (NLR family pyrin domain containing 1; minus strand). Cytogenetic location: 17p13.2.
Variant type: single nucleotide variant.
Coding change: c.3387C>G on transcript NM_033004.4 (MANE Select); coding-DNA position 3387, C replaced by G.
Protein change: p.Phe1129Leu; replaces phenylalanine 1129 with leucine.
Molecular consequence: missense variant.
Genome position (GRCh38, 1-based): chr17:5,530,614, G>C on the plus strand (C>G on the coding strand, the complement: NLRP1 is on the minus strand). VCF-style: chr17-5530614-G-C. GRCh37 (hg19) VCF-style: chr17-5433934-G-C.
Other names: c.3297C>G, p.Phe1099Leu (NM_033006.4, NM_033007.4); c.3399C>G, p.Phe1133Leu (NM_001033053.3); c.3387C>G, p.Phe1129Leu (NM_014922.5); short protein forms F1099L, F1129L, F1133L.
Identifiers: ClinVar variation 4771263 (VCV004771263.1).
Genomic context (GRCh38, chr17:5,530,614, plus strand): 5'-CCCTGCCACCATCCAGCTGTGCTGTGGGTTGATCTCACCCAGGAACTGGTCCCACACACA[G>C]AATTCAATCTCAACGGTCACCGCTTCTCTCATCACAAAGCAGAGACCCGTGTTGGGCCAG-3'
Protein context (NP_127497.1, residues 1119-1139): MREAVTVEIE[Phe1129Leu]CVWDQFLGEI